The following is an entry in ClinVar:

ClinVar aggregate classification (germline): Likely benign (1 of 4 stars; one submission).

Allele frequency attached by ClinVar (database versions not stated): 1000 Genomes Project 0.00060; 1000 Genomes Project 30x 0.00094; TOPMed 0.00183; gnomAD 0.00205; ExAC 0.00212; ESP Exome Variant Server 0.00254; gnomAD exomes 0.00297.
gnomAD v4.1: 4,622 of 1,613,648 alleles (0.29%); highest among the groups gnomAD compares: Non-Finnish European, 0.35%; 16 homozygotes.

Submission:

CeGaT Center for Human Genetics Tuebingen
Classification: Likely benign. Last evaluated: 2022-12-01. Review status: criteria provided, single submitter. Criteria: CeGaT Center For Human Genetics Tuebingen Variant Classification Criteria Version 2. Collection method: clinical testing. Allele origin: germline. Affected: yes. Observed: 1 variant allele.
Comment: PARP4: BP4, BS2

NM_006437.4(PARP4):c.2171A>C (p.Lys724Thr)

Gene: PARP4 (poly(ADP-ribose) polymerase family member 4; minus strand). Cytogenetic location: 13q12.12.
Variant type: single nucleotide variant.
Coding change: c.2171A>C on transcript NM_006437.4 (MANE Select); coding-DNA position 2171, A replaced by C.
Protein change: p.Lys724Thr; replaces lysine 724 with threonine.
Molecular consequence: missense variant.
Genome position (GRCh38, 1-based): chr13:24,460,099, T>G on the plus strand (A>C on the coding strand, the complement: PARP4 is on the minus strand). VCF-style: chr13-24460099-T-G. GRCh37 (hg19) VCF-style: chr13-25034237-T-G.
Other names: short protein forms K724T.
Identifiers: ClinVar variation 2643689 (VCV002643689.24), dbSNP rs76922420, ClinGen allele CA6915868.